The following is an entry in ClinVar:

ClinVar aggregate classification (germline): Uncertain significance. Review status: criteria provided, multiple submitters, no conflicts (2 of 4 stars). 2 submissions from 2 submitters: Uncertain significance (2). Last evaluated 2024-12-11.

Conditions:
Mucopolysaccharidosis type 6 (MPS6). Also called: N-ACETYLGALACTOSAMINE-4-SULFATASE DEFICIENCY; MPS VI; ARSB DEFICIENCY; ARYLSULFATASE B DEFICIENCY; MPS 6; Maroteaux Lamy syndrome. Identifiers: Orphanet 583, MedGen C0026709, MONDO:0009661, OMIM 253200.

gnomAD v4.1: 2 of 1,412,524 alleles (0.00014%); highest among the groups gnomAD compares: Non-Finnish European, 0.00019%; no homozygotes.

Submissions (2):

Women's Health and Genetics/Laboratory Corporation of America, LabCorp
Classification: Uncertain significance. Last evaluated: 2024-12-11. Review status: criteria provided, single submitter. Criteria: LabCorp Variant Classification Summary - May 2015. Collection method: clinical testing. Allele origin: germline.
Comment: Variant summary: ARSB c.310C>A (p.Gln104Lys) results in a conservative amino acid change located in the Alkaline phosphatase-like domain (IPR017850) of the encoded protein sequence. Three of five in-silico tools predict a damaging effect of the variant on protein function. Consensus agreement among computation tools predict no significant impact on normal splicing. However, these predictions have yet to be confirmed by functional studies. The variant was absent in 102468 control chromosomes. The available data on variant occurrences in the general population are insufficient to allow any conclusion about variant significance. c.310C>A has been reported in the literature in at least one compound heterozygous individual affected with Mucopolysaccharidosis Type VI (Maroteaux-Lamy Syndrome) (e.g. Vairo_2017). These data do not allow any conclusion about variant significance. To our knowledge, no experimental evidence demonstrating an impact on protein function has been reported. The following publication has been ascertained in the context of this evaluation (PMID: 28831385). No submitters have cited clinical-significance assessments for this variant to ClinVar. Based on the evidence outlined above, the variant was classified as uncertain significance.

Labcorp Genetics (formerly Invitae), Labcorp
Classification: Uncertain significance for Mucopolysaccharidosis type 6. Last evaluated: 2024-09-23. Review status: criteria provided, single submitter. Criteria: Invitae Variant Classification Sherloc (09022015). Collection method: clinical testing. Allele origin: germline.
Comment: This sequence change replaces glutamine, which is neutral and polar, with lysine, which is basic and polar, at codon 104 of the ARSB protein (p.Gln104Lys). This variant is not present in population databases (gnomAD no frequency). This missense change has been observed in individual(s) with clinical features of ARSB-related conditions (PMID: 28831385, 33144682). In at least one individual the data is consistent with being in trans (on the opposite chromosome) from a pathogenic variant. An algorithm developed to predict the effect of missense changes on protein structure and function (PolyPhen-2) suggests that this variant is likely to be disruptive. In summary, the available evidence is currently insufficient to determine the role of this variant in disease. Therefore, it has been classified as a Variant of Uncertain Significance.

Literature cited by the submitters: PubMed 28831385 (cited by Women's Health and Genetics/Laboratory Corporation of America, LabCorp and Labcorp Genetics (formerly Invitae), Labcorp); PubMed 33144682 (cited by Labcorp Genetics (formerly Invitae), Labcorp).

NM_000046.5(ARSB):c.310C>A (p.Gln104Lys)

Genes: ARSB (arylsulfatase B; minus strand), LOC129994126 (ATAC-STARR-seq lymphoblastoid silent region 16127; plus strand). Cytogenetic location: 5q14.1.
Variant type: single nucleotide variant.
Coding change: c.310C>A on transcript NM_000046.5 (MANE Select); coding-DNA position 310, C replaced by A.
Protein change: p.Gln104Lys; replaces glutamine 104 with lysine.
Molecular consequence: missense variant.
Genome position (GRCh38, 1-based): chr5:78,984,939, G>T on the plus strand (C>A on the coding strand, the complement: ARSB is on the minus strand). VCF-style: chr5-78984939-G-T. GRCh37 (hg19) VCF-style: chr5-78280762-G-T.
Other names: c.310C>A, p.Gln104Lys (NM_198709.3); short protein forms Q104K.
Identifiers: ClinVar variation 3720627 (VCV003720627.3).
Genomic context (GRCh38, chr5:78,984,939, plus strand): 5'-GCAGGGCGCCGGCGAAAGGCGGGGCGGGGGCGGCGCGGGCGGCGGGGGCGCCGCGTACCT[G>T]GTAGCGGCCAGTGAGCAGCTGGCTCCGCGACGGCGTGCACAGCGGCTGCGTGTAGTAGTT-3'
Protein context (NP_000037.2, residues 94-114): SRSQLLTGRY[Gln104Lys]IRTGLQHQII